The following is an entry in ClinVar:

NM_144573.4(NEXN):c.949A>C (p.Met317Leu)

Gene: NEXN (nexilin F-actin binding protein; plus strand). Cytogenetic location: 1p31.1.
Variant type: single nucleotide variant.
Coding change: c.949A>C on transcript NM_144573.4 (MANE Select); coding-DNA position 949, A replaced by C.
Protein change: p.Met317Leu; replaces methionine 317 with leucine.
Molecular consequence: missense variant.
Genome position (GRCh38, 1-based): chr1:77,929,400, A>C. VCF-style: chr1-77929400-A-C. GRCh37 (hg19) VCF-style: chr1-78395085-A-C.
Other names: c.757A>C, p.Met253Leu (NM_001172309.2); short protein forms M317L, M253L.
Identifiers: ClinVar variation 178904 (VCV000178904.21), dbSNP rs559464457, ClinGen allele CA183272.

ClinVar aggregate classification (germline): Benign/Likely benign. Review status: criteria provided, multiple submitters, no conflicts (2 of 4 stars). 6 submissions from 6 submitters: Benign (2); Likely benign (4). Last evaluated 2026-01-19.

Conditions:
NEXN-related disorder. Also called: NEXN-related disorders; NEXN-related condition.
Cardiovascular phenotype. Identifiers: MedGen CN230736.
Dilated cardiomyopathy 1CC (CMD1CC). Identifiers: Orphanet 154, MedGen C2751084, MONDO:0013147, OMIM 613122.
Hypertrophic cardiomyopathy 20. Identifiers: MedGen C3151267, MONDO:0013477, OMIM 613876.
Cardiomyopathy (CMYO). Also called: Cardiomyopathies. Identifiers: Orphanet 167848, MedGen C0878544, MONDO:0004994, HP:0001638. Inheritance: Various modes of inheritance.

Allele frequency attached by ClinVar (database versions not stated): gnomAD exomes 0.00007 and 0.00027; gnomAD 0.00009 and 0.00014; TOPMed 0.00017; ExAC 0.00026; 1000 Genomes Project 30x 0.00094; 1000 Genomes Project 0.00100.
gnomAD v4.1: 120 of 1,613,902 alleles (0.0074%); highest among the groups gnomAD compares: East Asian, 0.26%; no homozygotes.

Submissions (6):

Labcorp Genetics (formerly Invitae), Labcorp
Classification: Likely benign for Dilated cardiomyopathy 1CC; Hypertrophic cardiomyopathy 20. Last evaluated: 2026-01-19. Review status: criteria provided, single submitter. Criteria: Invitae Variant Classification Sherloc (09022015). Collection method: clinical testing. Allele origin: germline.

PreventionGenetics, part of Exact Sciences
Classification: Likely benign for NEXN-related condition. Last evaluated: 2025-08-19. Review status: criteria provided, single submitter. Criteria: ACMG Guidelines, 2015. Collection method: clinical testing. Allele origin: germline.
Comment: This variant is classified as likely benign based on ACMG/AMP sequence variant interpretation guidelines (Richards et al. 2015 PMID: 25741868, with internal and published modifications).

Ambry Genetics
Classification: Benign for Cardiovascular phenotype. Last evaluated: 2021-12-15. Review status: criteria provided, single submitter. Criteria: Ambry Variant Classification Scheme 2023. Collection method: clinical testing. Allele origin: germline.

GeneDx
Classification: Likely benign. Last evaluated: 2020-02-26. Review status: criteria provided, single submitter. Criteria: GeneDx Variant Classification Process June 2021. Collection method: clinical testing. Allele origin: germline. Affected: yes.

CHEO Genetics Diagnostic Laboratory, Children's Hospital of Eastern Ontario
Classification: Benign for Cardiomyopathy. Last evaluated: 2017-11-30. Review status: criteria provided, single submitter. Criteria: ACMG Guidelines, 2015. Collection method: clinical testing. Allele origin: germline.

Laboratory for Molecular Medicine, Mass General Brigham Personalized Medicine
Classification: Likely benign. Last evaluated: 2013-04-26. Review status: criteria provided, single submitter. Criteria: LMM Criteria. Collection method: clinical testing. Allele origin: germline. Observed: 1 variant allele.
Comment: Met317Leu in exon 9 of NEXN: This variant is not expected to have clinical signi ficance due to a lack of conservation across species, including mammals. Of note , 2 mammalian species as well as 2 more distant species have the variant amino a cid at this position and most other species have isoleucine (Ile) despite high n earby amino acid conservation. In addition, computational analyses (AlignGVGD, P olyPhen2, SIFT) do not suggest a high likelihood of impact to the protein.